The following is an entry in ClinVar:

NM_000381.4(MID1):c.1943dup (p.Thr649fs)

Genes: MID1 (midline 1; minus strand), LOC126863207 (BRD4-independent group 4 enhancer GRCh37_chrX:10416979-10418178; plus strand). Cytogenetic location: Xp22.2.
Variant type: Duplication.
Coding change: c.1943dup on transcript NM_000381.4 (MANE Select); coding-DNA position 1943, one base duplicated (T; older notation c.1943dupT).
Protein change: p.Thr649fs; shifts the reading frame from threonine 649.
Molecular consequence: frameshift variant.
Genome position (GRCh38, 1-based): chrX:10,449,429, A duplicated on the plus strand (T on the coding strand, the reverse complement: MID1 is on the minus strand). VCF-style (leftmost placement, unchanged base first): chrX-10449428-C-CA. GRCh37 (hg19) VCF-style: chrX-10417468-C-CA.
Other names: c.1943dup, p.Thr649fs (NM_001098624.2, NM_001193277.1, NM_001347733.2 and 1 more transcripts); c.1829dup, p.Thr611fs (NM_033289.2); short protein forms T611fs, T649fs.
Identifiers: ClinVar variation 2834263 (VCV002834263.3), dbSNP rs2518959446, ClinGen allele CA2739268079.

ClinVar aggregate classification (germline): Likely pathogenic (1 of 4 stars; one submission).

Submission:

Labcorp Genetics (formerly Invitae), Labcorp
Classification: Likely pathogenic. Last evaluated: 2023-06-05. Review status: criteria provided, single submitter. Criteria: Invitae Variant Classification Sherloc (09022015). Collection method: clinical testing. Allele origin: germline.
Comment: In summary, the currently available evidence indicates that the variant is pathogenic, but additional data are needed to prove that conclusively. Therefore, this variant has been classified as Likely Pathogenic. This variant disrupts a region of the MID1 protein in which other variant(s) (p.Gly653Arg) have been observed in individuals with MID1-related conditions (PMID: 17221865). This suggests that this is a clinically significant region of the protein, and that variants that disrupt it are likely to be disease-causing. This frameshift has been observed in individual(s) with clinical features of Opitz GBBB syndrome (Invitae). It has also been observed to segregate with disease in related individuals. This variant is not present in population databases (gnomAD no frequency). This sequence change results in a frameshift in the MID1 gene (p.Thr649Aspfs*64). While this is not anticipated to result in nonsense mediated decay, it is expected to disrupt the last 19 amino acid(s) of the MID1 protein and extend the protein by 44 additional amino acid residues.

Literature cited by the submitters: PubMed 17221865.